The following is an entry in ClinVar:

ClinVar aggregate classification (germline): Uncertain significance (1 of 4 stars; one submission).

Conditions:
NCKAP1-related disorder. Also called: NCKAP1-related condition.

Submission:

PreventionGenetics, part of Exact Sciences
Classification: Uncertain significance for NCKAP1-related condition. Last evaluated: 2025-09-24. Review status: criteria provided, single submitter. Criteria: ACMG Guidelines, 2015. Collection method: clinical testing. Allele origin: germline.
Comment: The NCKAP1 c.1189A>G variant is predicted to result in the amino acid substitution p.Asn397Asp. To our knowledge, this variant has not been reported in the literature or in a large population database (gnomAD), indicating this variant is rare. At this time, the clinical significance of this variant is uncertain due to the absence of conclusive functional and genetic evidence.

NM_013436.5(NCKAP1):c.1171A>G (p.Asn391Asp)

Gene: NCKAP1 (NCK associated protein 1; minus strand). Cytogenetic location: 2q32.1.
Variant type: single nucleotide variant.
Coding change: c.1171A>G on transcript NM_013436.5 (MANE Select); coding-DNA position 1171, A replaced by G.
Protein change: p.Asn391Asp; replaces asparagine 391 with aspartic acid.
Molecular consequence: missense variant.
Genome position (GRCh38, 1-based): chr2:182,982,858, T>C on the plus strand (A>G on the coding strand, the complement: NCKAP1 is on the minus strand). VCF-style: chr2-182982858-T-C. GRCh37 (hg19) VCF-style: chr2-183847586-T-C.
Other names: c.1165A>G, p.Asn389Asp (NM_001437266.1); c.1183A>G, p.Asn395Asp (NM_001437267.1); c.1189A>G, p.Asn397Asp (NM_205842.3); short protein forms N391D, N395D, N397D, N389D.
Identifiers: ClinVar variation 4991108 (VCV004991108.1).